The following is an entry in ClinVar:

NM_032229.3(SLITRK6):c.73C>T (p.Leu25Phe)

Gene: SLITRK6 (SLIT and NTRK like family member 6; minus strand). Cytogenetic location: 13q31.1.
Variant type: single nucleotide variant.
Coding change: c.73C>T on transcript NM_032229.3 (MANE Select); coding-DNA position 73, C replaced by T.
Protein change: p.Leu25Phe; replaces leucine 25 with phenylalanine.
Molecular consequence: missense variant.
Genome position (GRCh38, 1-based): chr13:85,796,436, G>A on the plus strand (C>T on the coding strand, the complement: SLITRK6 is on the minus strand). VCF-style: chr13-85796436-G-A. GRCh37 (hg19) VCF-style: chr13-86370571-G-A.
Other names: short protein forms L25F.
Identifiers: ClinVar variation 506093 (VCV000506093.18), dbSNP rs12863734, ClinGen allele CA7015336.

ClinVar aggregate classification (germline): Benign. Review status: criteria provided, multiple submitters, no conflicts (2 of 4 stars). 6 submissions from 6 submitters: Benign (5). 1 of the submissions does not count toward it. Last evaluated 2026-02-01.

Conditions:
SLITRK6-related disorder. Also called: SLITRK6-related condition.

Allele frequency attached by ClinVar (database versions not stated): 1000 Genomes Project 0.01218; 1000 Genomes Project 30x 0.01327; ExAC 0.01511; gnomAD exomes 0.01538 and 0.01575; gnomAD 0.01832 and 0.01903; TOPMed 0.01871; ESP Exome Variant Server 0.01936.

Submissions (6):

Labcorp Genetics (formerly Invitae), Labcorp
Classification: Benign. Last evaluated: 2026-02-01. Review status: criteria provided, single submitter. Criteria: Invitae Variant Classification Sherloc (09022015). Collection method: clinical testing. Allele origin: germline.

Athena Diagnostics
Classification: Benign. Last evaluated: 2019-07-12. Review status: criteria provided, single submitter. Criteria: Athena Diagnostics Criteria. Collection method: clinical testing. Allele origin: germline.

GeneDx
Classification: Benign. Last evaluated: 2019-03-04. Review status: criteria provided, single submitter. Criteria: GeneDx Variant Classification Process June 2021. Collection method: clinical testing. Allele origin: germline. Affected: yes.

Laboratory for Molecular Medicine, Mass General Brigham Personalized Medicine
Classification: Benign. Last evaluated: 2017-08-23. Review status: criteria provided, single submitter. Criteria: LMM Criteria. Collection method: clinical testing. Allele origin: germline. Observed: 13 variant alleles.
Comment: p.Leu25Phe in exon 2 of SLITRK6: This variant is not expected to have clinical s ignificance because it has been identified in 2.59% (294/11348) of Latino chromo somes by the Exome Aggregation Consortium (ExAC; dbSNP rs12863734).

Breakthrough Genomics
Classification: Benign. Review status: criteria provided, single submitter. Criteria: ACMG Guidelines, 2015. Collection method: not provided. Allele origin: germline. Inheritance: Autosomal recessive inheritance. Affected: yes.

PreventionGenetics, part of Exact Sciences
Classification: Benign for SLITRK6-related condition. Last evaluated: 2019-07-15. Review status: no assertion criteria provided. Collection method: clinical testing. Allele origin: germline. Not counted in ClinVar's aggregate classification.
Comment: This variant is classified as benign based on ACMG/AMP sequence variant interpretation guidelines (Richards et al. 2015 PMID: 25741868, with internal and published modifications).